The following is an entry in ClinVar:

ClinVar aggregate classification (germline): Benign/Likely benign. Review status: criteria provided, multiple submitters, no conflicts (2 of 4 stars). 5 submissions from 5 submitters: Benign (3); Likely benign (1). 1 of the submissions does not count toward it. Last evaluated 2026-01-20.

Allele frequency attached by ClinVar (database versions not stated): gnomAD exomes 0.00051 and 0.00141; ExAC 0.00168; gnomAD 0.00466 and 0.00503; 1000 Genomes Project 30x 0.00468; 1000 Genomes Project 0.00519; TOPMed 0.00534; ESP Exome Variant Server 0.00615.
gnomAD v4.1: 1,476 of 1,613,574 alleles (0.091%); highest among the groups gnomAD compares: African/African-American, 1.5%; 7 homozygotes.

Submissions (5):

Labcorp Genetics (formerly Invitae), Labcorp
Classification: Benign. Last evaluated: 2026-01-20. Review status: criteria provided, single submitter. Criteria: Invitae Variant Classification Sherloc (09022015). Collection method: clinical testing. Allele origin: germline.

Athena Diagnostics
Classification: Benign. Last evaluated: 2025-06-09. Review status: criteria provided, single submitter. Criteria: Athena Diagnostics Criteria. Collection method: clinical testing. Allele origin: unknown.
Comment: The frequency of this variant in the general population is higher than would generally be expected for pathogenic variants in this gene. Computational tools yielded predictions that this variant is unlikely to have an effect on normal RNA splicing.

Blueprint Genetics
Classification: Likely benign. Last evaluated: 2024-11-25. Review status: criteria provided, single submitter. Criteria: ACMG Guidelines, 2015. Collection method: clinical testing. Allele origin: germline.

GeneDx
Classification: Benign. Last evaluated: 2015-04-09. Review status: criteria provided, single submitter. Criteria: GeneDx Variant Classification (06012015). Collection method: clinical testing. Allele origin: germline. Affected: yes.
Comment: This variant is considered likely benign or benign based on one or more of the following criteria: it is a conservative change, it occurs at a poorly conserved position in the protein, it is predicted to be benign by multiple in silico algorithms, and/or has population frequency not consistent with disease.

Mayo Clinic Laboratories, Mayo Clinic
Classification: Likely benign. Last evaluated: 2017-09-18. Review status: no assertion criteria provided. Collection method: clinical testing. Allele origin: unknown. Not counted in ClinVar's aggregate classification.

NM_018109.4(MTPAP):c.158-9C>T

Gene: MTPAP (mitochondrial poly(A) polymerase; minus strand). Cytogenetic location: 10p11.23.
Variant type: single nucleotide variant.
Coding change: c.158-9C>T on transcript NM_018109.4 (MANE Select); 9 bases into the intron before coding-DNA position 158, C replaced by T.
Molecular consequence: intron variant.
Genome position (GRCh38, 1-based): chr10:30,341,649, G>A on the plus strand (C>T on the coding strand, the complement: MTPAP is on the minus strand). VCF-style: chr10-30341649-G-A. GRCh37 (hg19) VCF-style: chr10-30630578-G-A.
Identifiers: ClinVar variation 378178 (VCV000378178.17), dbSNP rs139217290, ClinGen allele CA5459259.